The following is an entry in ClinVar:

ClinVar aggregate classification (germline): Pathogenic (1 of 4 stars; one submission).

Conditions:
Joubert syndrome and related disorders. Identifiers: Orphanet 140874, MedGen C5679612, MONDO:0015369.

Submission:

Myriad Genetics, Inc.
Classification: Pathogenic for Joubert syndrome and related disorders. Last evaluated: 2025-05-20. Review status: criteria provided, single submitter. Criteria: Myriad Autosomal Dominant, Autosomal Recessive and X-Linked Classification Criteria (2023). Collection method: clinical testing. Allele origin: unknown.
Comment: NM_001080522.2(CC2D2A):c.2712delA(E904Dfs*2) is expected to be pathogenic in the context of CC2D2A-related disorders. This variant is predicted to lead to an abnormal or absent protein product due to the creation of a premature termination codon in CC2D2A, a gene where loss-of-function variants are known to be pathogenic. Please note: this variant was assessed in the context of healthy population screening.

NM_001378615.1(CC2D2A):c.2712del (p.Glu904fs)

Genes: CC2D2A (coiled-coil and C2 domain containing 2A; plus strand), FBXL5 (F-box and leucine rich repeat protein 5; minus strand). Cytogenetic location: 4p15.32.
Variant type: Deletion.
Coding change: c.2712del on transcript NM_001378615.1 (MANE Select); coding-DNA position 2712, one base deleted (A; older notation c.2712delA).
Protein change: p.Glu904fs; shifts the reading frame from glutamic acid 904.
Molecular consequence: frameshift variant.
Genome position (GRCh38, 1-based): chr4:15,557,390, A deleted; the last of 2 consecutive A bases (chr4:15,557,389-15,557,390); deleting either gives the same sequence. VCF-style (leftmost placement, unchanged base first): chr4-15557388-GA-G. GRCh37 (hg19) VCF-style: chr4-15559011-GA-G.
Other names: c.2712del, p.Glu904fs (NM_001080522.2); c.2565del, p.Glu855fs (NM_001378617.1); short protein forms E855fs, E904fs.
Identifiers: ClinVar variation 5014484 (VCV005014484.1).